The following is an entry in ClinVar:

NM_019892.6(INPP5E):c.657C>A (p.Tyr219Ter)

Gene: INPP5E (inositol polyphosphate-5-phosphatase E; minus strand). Cytogenetic location: 9q34.3.
Variant type: single nucleotide variant.
Coding change: c.657C>A on transcript NM_019892.6 (MANE Select); coding-DNA position 657, C replaced by A.
Protein change: p.Tyr219Ter; replaces tyrosine 219 with a stop codon.
Molecular consequence: nonsense.
Genome position (GRCh38, 1-based): chr9:136,438,763, G>T on the plus strand (C>A on the coding strand, the complement: INPP5E is on the minus strand). VCF-style: chr9-136438763-G-T. GRCh37 (hg19) VCF-style: chr9-139333215-G-T.
Other names: c.657C>A, p.Tyr219Ter (NM_001318502.2); short protein forms Y219*.
Identifiers: ClinVar variation 5007418 (VCV005007418.2).
Genomic context (GRCh38, chr9:136,438,763, plus strand): 5'-CGGCCGGCCGGGGCCCAGGCTGCTGTGGGCCCGCACCAGGAGCGGCTGCGCGCGGAGCTT[G>T]TAGTCTGCAAGATCCGAGTCGACCTTGTTTGCTGTCCTCAGGGAGTCGGAGGCGATGTCC-3'

ClinVar aggregate classification (germline): Likely pathogenic (1 of 4 stars; one submission).

Conditions:
MORM syndrome (MORMS). Identifiers: Orphanet 75858, MedGen C1857802, MONDO:0012423, OMIM 610156.
Joubert syndrome 1 (JBTS1). Also called: Cerebellooculorenal syndrome 1; CEREBELLOPARENCHYMAL DISORDER IV. Identifiers: MedGen C4551568, MONDO:0008944, OMIM 213300.

Submission:

Juno Genomics, Hangzhou Juno Genomics, Inc
Classification: Likely pathogenic for Joubert syndrome 1; MORM syndrome. Review status: criteria provided, single submitter. Criteria: ACMG Guidelines, 2015. Collection method: clinical testing. Allele origin: germline.
Comment: Null variant in a gene where loss of function (LOF) is a known mechanism of disease.;Absent from controls (or at extremely low frequency if recessive) in Genome Aggregation Database.